The following is an entry in ClinVar:

NM_000051.4(ATM):c.8584+2T>A

Genes: ATM (ATM serine/threonine kinase; plus strand), C11orf65 (chromosome 11 open reading frame 65; minus strand). Cytogenetic location: 11q22.3.
Variant type: single nucleotide variant.
Coding change: c.8584+2T>A on transcript NM_000051.4 (MANE Select); the canonical splice donor site of the intron after coding-DNA position 8584, T replaced by A.
Molecular consequence: splice donor variant. On other transcripts: intron variant (2).
Genome position (GRCh38, 1-based): chr11:108,345,910, T>A. VCF-style: chr11-108345910-T-A. GRCh37 (hg19) VCF-style: chr11-108216637-T-A.
Other names: c.8584+2T>A (NM_001351834.2); c.641-36839A>T (NM_001330368.2); c.695-10618A>T (NM_001351110.2).
Identifiers: ClinVar variation 2016870 (VCV002016870.5), dbSNP rs730881326, ClinGen allele CA382518828.

ClinVar aggregate classification (germline): Pathogenic/Likely pathogenic. Review status: criteria provided, multiple submitters, no conflicts (2 of 4 stars). 2 submissions from 2 submitters: Pathogenic (1); Likely pathogenic (1). Last evaluated 2024-02-02.

Conditions:
Familial cancer of breast. Also called: BREAST CANCER, FAMILIAL; Hereditary breast cancer; hereditary breast carcinoma. Identifiers: Orphanet 227535, MedGen C0346153, MONDO:0016419, OMIM 114480. Disease mechanism: loss of function.
Ataxia-telangiectasia syndrome (AT). Also called: Ataxia-telangiectasia, complementation group D; AT, COMPLEMENTATION GROUP C; ATAXIA-TELANGIECTASIA, COMPLEMENTATION GROUP A; ATAXIA-TELANGIECTASIA, FRESNO VARIANT; Ataxia-telangiectasia, complementation group E; LOUIS-BAR SYNDROME. Identifiers: Orphanet 100, MedGen C0004135, MONDO:0008840, OMIM 208900.

Submissions (2):

Myriad Genetics, Inc.
Classification: Likely pathogenic for Familial cancer of breast. Last evaluated: 2024-02-02. Review status: criteria provided, single submitter. Criteria: Myriad Autosomal Dominant, Autosomal Recessive and X-Linked Classification Criteria (2023). Collection method: clinical testing. Allele origin: unknown.
Comment: This variant is considered likely pathogenic. This variant occurs within a consensus splice junction and is predicted to result in abnormal mRNA splicing of either an out-of-frame exon or an in-frame exon necessary for protein stability and/or normal function.

Labcorp Genetics (formerly Invitae), Labcorp
Classification: Pathogenic for Ataxia-telangiectasia syndrome. Last evaluated: 2022-10-21. Review status: criteria provided, single submitter. Criteria: Invitae Variant Classification Sherloc (09022015). Collection method: clinical testing. Allele origin: germline.
Comment: This sequence change affects a donor splice site in intron 58 of the ATM gene. RNA analysis indicates that disruption of this splice site induces altered splicing and may result in an absent or disrupted protein product. This variant is not present in population databases (gnomAD no frequency). Disruption of this splice site has been observed in individual(s) with clinical features of ataxia-telangiectasia and/or colorectal cancer (PMID: 28170084, 28195393; Invitae). In at least one individual the data is consistent with being in trans (on the opposite chromosome) from a pathogenic variant. Studies have shown that disruption of this splice site results in activation of a cryptic splice site and introduces a premature termination codon (PMID: 28170084). The resulting mRNA is expected to undergo nonsense-mediated decay. For these reasons, this variant has been classified as Pathogenic.

Literature cited by the submitters: PubMed 28170084 (cited by Labcorp Genetics (formerly Invitae), Labcorp); PubMed 28195393 (cited by Labcorp Genetics (formerly Invitae), Labcorp).